The following is an entry in ClinVar:

ClinVar aggregate classification (germline): Benign/Likely benign. Review status: criteria provided, multiple submitters, no conflicts (2 of 4 stars). 9 submissions from 9 submitters: Benign (5); Likely benign (1). 3 of the submissions do not count toward it. Last evaluated 2026-02-03.

Conditions:
Cardiovascular phenotype. Identifiers: MedGen CN230736.
Primary dilated cardiomyopathy (DCM). Also called: Dilated Cardiomyopathy. Identifiers: Orphanet 217604, MedGen C0007193, MeSH D002311, MONDO:0005021, HP:0001644. Inheritance: Various modes of inheritance.
Hypertrophic cardiomyopathy. Also called: HYPERTROPHIC MYOCARDIOPATHY. Identifiers: Orphanet 217569, MedGen C0007194, MeSH D002312, MONDO:0005045, HP:0001639.

Allele frequency attached by ClinVar (database versions not stated): gnomAD 0.02726 and 0.02959; ExAC 0.00911; gnomAD exomes 0.00725 and 0.00263; 1000 Genomes Project 0.02855; 1000 Genomes Project 30x 0.02967; ESP Exome Variant Server 0.03368; TOPMed 0.03196.
gnomAD v4.1: 8,202 of 1,614,126 alleles (0.51%); highest among the groups gnomAD compares: African/African-American, 9.3%; 338 homozygotes.

Submissions (9):

Labcorp Genetics (formerly Invitae), Labcorp
Classification: Benign for Hypertrophic cardiomyopathy; Primary dilated cardiomyopathy. Last evaluated: 2026-02-03. Review status: criteria provided, single submitter. Criteria: Invitae Variant Classification Sherloc (09022015). Collection method: clinical testing. Allele origin: germline.

Women's Health and Genetics/Laboratory Corporation of America, LabCorp
Classification: Likely benign. Last evaluated: 2023-04-17. Review status: criteria provided, single submitter. Criteria: LabCorp Variant Classification Summary - May 2015. Collection method: clinical testing. Allele origin: germline.

Laboratory for Molecular Medicine, Mass General Brigham Personalized Medicine
Classification: Benign. Last evaluated: 2015-01-13. Review status: criteria provided, single submitter. Criteria: LMM Criteria. Collection method: clinical testing. Allele origin: germline. Observed: 10 variant alleles.
Comment: p.Val127Met in exon 4 of PDLIM3: This variant is not expected to have clinical s ignificance because it has been identified in 9.9% (437/4406) of African America n chromosomes from a broad population by the NHLBI Exome Sequencing Project (dbSNP rs11944325).

GeneDx
Classification: Benign. Last evaluated: 2014-08-05. Review status: criteria provided, single submitter. Criteria: GeneDx Variant Classification (06012015). Collection method: clinical testing. Allele origin: germline. Affected: yes.
Comment: This variant is considered likely benign or benign based on one or more of the following criteria: it is a conservative change, it occurs at a poorly conserved position in the protein, it is predicted to be benign by multiple in silico algorithms, and/or has population frequency not consistent with disease.

Ambry Genetics
Classification: Benign for Cardiovascular phenotype. Last evaluated: 2012-11-05. Review status: criteria provided, single submitter. Criteria: Ambry Autosomal Dominant and X-Linked criteria (10/2015). Collection method: clinical testing. Allele origin: germline. Observed: 1 variant allele.
Comment: General population or subpopulation frequency is too high to be a pathogenic mutation based on disease/syndrome prevalence and penetrance

Breakthrough Genomics
Classification: Benign. Review status: criteria provided, single submitter. Criteria: ACMG Guidelines, 2015. Collection method: not provided. Allele origin: germline. Inheritance: Unknown mechanism. Affected: yes.

Leiden Muscular Dystrophy (PDLIM3)
No classification provided. Last evaluated: 2012-04-20. Review status: no classification provided. Collection method: curation. Allele origin: germline. Not counted in ClinVar's aggregate classification.

Clinical Genetics DNA and cytogenetics Diagnostics Lab, Erasmus MC, Erasmus Medical Center
Classification: Benign. Review status: no assertion criteria provided. Collection method: clinical testing. Allele origin: germline. Affected: yes. Study: VKGL Data-share Consensus. Not counted in ClinVar's aggregate classification.

Genome Diagnostics Laboratory, University Medical Center Utrecht
Classification: Benign. Review status: no assertion criteria provided. Collection method: clinical testing. Allele origin: germline. Affected: yes. Study: VKGL Data-share Consensus. Not counted in ClinVar's aggregate classification.

NM_014476.6(PDLIM3):c.379G>A (p.Val127Met)

Genes: PDLIM3 (PDZ and LIM domain 3; minus strand), LOC126807246 (BRD4-independent group 4 enhancer GRCh37_chr4:186434842-186436041; plus strand). Cytogenetic location: 4q35.1.
Variant type: single nucleotide variant.
Coding change: c.379G>A on transcript NM_014476.6 (MANE Select); coding-DNA position 379, G replaced by A.
Protein change: p.Val127Met; replaces valine 127 with methionine.
Molecular consequence: missense variant. On other transcripts: intron variant (1).
Genome position (GRCh38, 1-based): chr4:185,514,289, C>T on the plus strand (G>A on the coding strand, the complement: PDLIM3 is on the minus strand). VCF-style: chr4-185514289-C-T. GRCh37 (hg19) VCF-style: chr4-186435443-C-T.
Other names: p.V127M:GTG>ATG; c.379G>A, p.Val127Met (NM_001257962.2); c.142G>A, p.Val48Met (NM_001257963.2); c.518+414G>A (NM_001114107.5); short protein forms V127M, V48M.
Identifiers: ClinVar variation 31838 (VCV000031838.23), dbSNP rs11944325, ClinGen allele CA215388.